The following is an entry in ClinVar:

NM_001613.4(ACTA2):c.523C>G (p.His175Asp)

Gene: ACTA2 (actin alpha 2, smooth muscle; minus strand). Cytogenetic location: 10q23.31.
Variant type: single nucleotide variant.
Coding change: c.523C>G on transcript NM_001613.4 (MANE Select); coding-DNA position 523, C replaced by G.
Protein change: p.His175Asp; replaces histidine 175 with aspartic acid.
Molecular consequence: missense variant.
Genome position (GRCh38, 1-based): chr10:88,941,322, G>C on the plus strand (C>G on the coding strand, the complement: ACTA2 is on the minus strand). VCF-style: chr10-88941322-G-C. GRCh37 (hg19) VCF-style: chr10-90701079-G-C.
Other names: c.523C>G, p.His175Asp (NM_001141945.3, NM_001320855.2, NM_001406462.1 and 3 more transcripts); c.412C>G, p.His138Asp (NM_001406466.1); c.394C>G, p.His132Asp (NM_001406467.1, NM_001406468.1, NM_001406469.1); short protein forms H175D, H132D, H138D.
Identifiers: ClinVar variation 1298493 (VCV001298493.38), dbSNP rs2133254801, ClinGen allele CA377512227.

ClinVar aggregate classification (germline): Conflicting classifications of pathogenicity. Review status: criteria provided, conflicting classifications (1 of 4 stars). 2 submissions from 2 submitters: Likely pathogenic (1); Uncertain significance (1). Last evaluated 2024-09-06.

Conditions:
Familial thoracic aortic aneurysm and aortic dissection (TAAD). Also called: Thoracic aortic aneurysms and dissections. Identifiers: Orphanet 91387, MedGen C4707243, MONDO:0019625.

Submissions (2):

Centre of Medical Genetics, University of Antwerp
Classification: Likely pathogenic for Familial thoracic aortic aneurysm and aortic dissection. Last evaluated: 2024-09-06. Review status: criteria provided, single submitter. Criteria: ACMG Guidelines, 2015. Collection method: clinical testing. Allele origin: germline. Affected: yes.
Comment: LP(PM2; PP1-3)

CeGaT Center for Human Genetics Tuebingen
Classification: Uncertain significance. Last evaluated: 2021-09-01. Review status: criteria provided, single submitter. Criteria: CeGaT Center For Human Genetics Tuebingen Variant Classification Criteria Version 2. Collection method: clinical testing. Allele origin: germline. Affected: yes. Observed: 1 variant allele.